The following is an entry in ClinVar:

ClinVar aggregate classification (germline): Conflicting classifications of pathogenicity. Review status: criteria provided, conflicting classifications (1 of 4 stars). 2 submissions from 2 submitters: Uncertain significance (1); Likely benign (1). Last evaluated 2025-05-26.

Conditions:
Inborn genetic diseases. Identifiers: MedGen C0950123, MeSH D030342.

Allele frequency attached by ClinVar (database versions not stated): gnomAD 0.00001; TOPMed 0.00003.
gnomAD v4.1: 22 of 1,606,164 alleles (0.0014%); highest among the groups gnomAD compares: Admixed American, 0.035%; no homozygotes.

Submissions (2):

Ambry Genetics
Classification: Likely benign for Inborn genetic diseases. Last evaluated: 2025-05-26. Review status: criteria provided, single submitter. Criteria: Ambry Variant Classification Scheme 2023. Collection method: clinical testing. Allele origin: germline.

Labcorp Genetics (formerly Invitae), Labcorp
Classification: Uncertain significance. Last evaluated: 2024-06-26. Review status: criteria provided, single submitter. Criteria: Invitae Variant Classification Sherloc (09022015). Collection method: clinical testing. Allele origin: germline.
Comment: This sequence change replaces serine, which is neutral and polar, with glycine, which is neutral and non-polar, at codon 152 of the CDSN protein (p.Ser152Gly). This variant is present in population databases (rs752840782, gnomAD 0.05%). This variant has not been reported in the literature in individuals affected with CDSN-related conditions. ClinVar contains an entry for this variant (Variation ID: 2066023). Advanced modeling of protein sequence and biophysical properties (such as structural, functional, and spatial information, amino acid conservation, physicochemical variation, residue mobility, and thermodynamic stability) performed at Invitae indicates that this missense variant is not expected to disrupt CDSN protein function with a negative predictive value of 80%. In summary, the available evidence is currently insufficient to determine the role of this variant in disease. Therefore, it has been classified as a Variant of Uncertain Significance.

NM_001264.5(CDSN):c.454A>G (p.Ser152Gly)

Genes: CDSN (corneodesmosin; minus strand), PSORS1C1 (psoriasis susceptibility 1 candidate 1; plus strand). Cytogenetic location: 6p21.33.
Variant type: single nucleotide variant.
Coding change: c.454A>G on transcript NM_001264.5 (MANE Select); coding-DNA position 454, A replaced by G.
Protein change: p.Ser152Gly; replaces serine 152 with glycine.
Molecular consequence: missense variant. On other transcripts: intron variant (1).
Genome position (GRCh38, 1-based): chr6:31,117,161, T>C on the plus strand (A>G on the coding strand, the complement: CDSN is on the minus strand). VCF-style: chr6-31117161-T-C. GRCh37 (hg19) VCF-style: chr6-31084938-T-C.
Other names: c.-229+2270T>C (NM_014068.3); c.454A>G (NM_001264.4); short protein forms S152G.
Identifiers: ClinVar variation 2066023 (VCV002066023.5), dbSNP rs752840782, ClinGen allele CA3708496.
Genomic context (GRCh38, chr6:31,117,161, plus strand): 5'-TCCCTACTTGGAAGCTGCTGCTGCTGAACTGAAAGCTGCTGCTGCTGCTCGAATGAGAGC[T>C]GCTGCTTCCCGAGTGAGAGCCGCTGTTTCCCGAGTGAGAGCTGCTGCTCCCCAGCTGGGA-3'
Protein context (NP_001255.4, residues 142-162): GNSGSHSGSS[Ser152Gly]SHSSSSSSFQ